The following is an entry in ClinVar:

ClinVar aggregate classification (germline): Likely benign. Review status: criteria provided, multiple submitters, no conflicts (2 of 4 stars). 3 submissions from 3 submitters: Likely benign (3). Last evaluated 2023-06-24.

Conditions:
Malignant hyperthermia, susceptibility to, 1 (MHS1). Also called: Malignant hyperthermia suceptibility 1; Anesthesia related hyperthermia; Malignant hyperpyrexia; Fulminating hyperpyrexia; Pharmacogenic myopathy; RYR1-Related Malignant Hyperthermia Susceptibility. Identifiers: Orphanet 423, MedGen C2930980, MONDO:0007783, OMIM 145600.
RYR1-related disorder. Also called: RYR1-related condition; RYR1-related disorders. Identifiers: MedGen CN239331.

Allele frequency attached by ClinVar (database versions not stated): TOPMed below 0.00001; gnomAD 0.00001.
gnomAD v4.1: 1 of 1,614,058 alleles (0.000062%); highest among the groups gnomAD compares: Non-Finnish European, 0.000085%; no homozygotes.

Submissions (3):

Labcorp Genetics (formerly Invitae), Labcorp
Classification: Likely benign for RYR1-related disorder. Last evaluated: 2023-06-24. Review status: criteria provided, single submitter. Criteria: Invitae Variant Classification Sherloc (09022015). Collection method: clinical testing. Allele origin: germline.

All of Us Research Program, National Institutes of Health
Classification: Likely benign for Malignant hyperthermia, susceptibility to, 1. Last evaluated: 2023-06-08. Review status: criteria provided, single submitter. Criteria: ACMG Guidelines, 2015. Collection method: clinical testing. Allele origin: germline. Inheritance: Autosomal dominant inheritance. Observed: 1 variant allele, 1 heterozygote.
Comment: This study involves interpretation of variants in research participants for the purpose of population health screening. Participant phenotype was not available at the time of variant classification. Additional details can be found in publication PMID: 35346344, PMCID: PMC8962531

Color Diagnostics, LLC DBA Color Health
Classification: Likely benign for Malignant hyperthermia, susceptibility to, 1. Last evaluated: 2023-05-31. Review status: criteria provided, single submitter. Criteria: ACMG Guidelines, 2015. Collection method: clinical testing. Allele origin: germline.

NM_000540.3(RYR1):c.8010G>A (p.Glu2670=)

Gene: RYR1 (ryanodine receptor 1; plus strand). Cytogenetic location: 19q13.2.
Variant type: single nucleotide variant.
Coding change: c.8010G>A on transcript NM_000540.3 (MANE Select); coding-DNA position 8010, G replaced by A.
Protein change: p.Glu2670=; no amino-acid change (glutamic acid 2670 retained).
Molecular consequence: synonymous variant.
Genome position (GRCh38, 1-based): chr19:38,504,303, G>A. VCF-style: chr19-38504303-G-A. GRCh37 (hg19) VCF-style: chr19-38994943-G-A.
Other names: c.8010G>A, p.Glu2670= (NM_001042723.2).
Identifiers: ClinVar variation 2901924 (VCV002901924.5), dbSNP rs1477576121, ClinGen allele CA507244250.
Genomic context (GRCh38, chr19:38,504,303, plus strand): 5'-CTGTTGGAAGTACTACTGCCTACCCACGGGCTGGGCCAACTTCGGGGTCACCTCAGAGGA[G>A]GAGCTGCACCTCACACGGAAACTCTTCTGGGGCATCTTTGACTCTCTGGCCCATAAGGTC-3'
Protein context (NP_000531.2, residues 2660-2680): GWANFGVTSE[Glu2670=]ELHLTRKLFW